The following is an entry in ClinVar:

NM_016138.5(COQ7):c.104G>A (p.Arg35His)

Gene: COQ7 (coenzyme Q7, hydroxylase; plus strand). Cytogenetic location: 16p12.3.
Variant type: single nucleotide variant.
Coding change: c.104G>A on transcript NM_016138.5 (MANE Select); coding-DNA position 104, G replaced by A.
Protein change: p.Arg35His; replaces arginine 35 with histidine.
Molecular consequence: missense variant. On other transcripts: 5 prime UTR variant (5), non-coding transcript variant (3).
Genome position (GRCh38, 1-based): chr16:19,071,958, G>A. VCF-style: chr16-19071958-G-A. GRCh37 (hg19) VCF-style: chr16-19083280-G-A.
Other names: c.-11G>A (NM_001190983.2, NM_001370492.1, NM_001370493.1 and 2 more transcripts); c.62G>A, p.Arg21His (NM_001370489.1, NM_001370491.1); c.104G>A, p.Arg35His (NM_001370490.1); c.104G>A (NM_016138.4); short protein forms R35H, R21H.
Identifiers: ClinVar variation 1373108 (VCV001373108.5), dbSNP rs772432536, ClinGen allele CA7932884.

ClinVar aggregate classification (germline): Uncertain significance. Review status: criteria provided, multiple submitters, no conflicts (2 of 4 stars). 2 submissions from 2 submitters: Uncertain significance (2). Last evaluated 2025-01-13.

Allele frequency attached by ClinVar (database versions not stated): ExAC 0.00012; gnomAD exomes 0.00015.
gnomAD v4.1: 45 of 1,614,096 alleles (0.0028%); highest among the groups gnomAD compares: Admixed American, 0.058%; no homozygotes.

Submissions (2):

Labcorp Genetics (formerly Invitae), Labcorp
Classification: Uncertain significance. Last evaluated: 2025-01-13. Review status: criteria provided, single submitter. Criteria: Invitae Variant Classification Sherloc (09022015). Collection method: clinical testing. Allele origin: germline.
Comment: This sequence change replaces arginine, which is basic and polar, with histidine, which is basic and polar, at codon 35 of the COQ7 protein (p.Arg35His). This variant is present in population databases (rs772432536, gnomAD 0.1%). This variant has not been reported in the literature in individuals affected with COQ7-related conditions. ClinVar contains an entry for this variant (Variation ID: 1373108). An algorithm developed to predict the effect of missense changes on protein structure and function outputs the following: PolyPhen-2: "Benign". The histidine amino acid residue is found in multiple mammalian species, which suggests that this missense change does not adversely affect protein function. In summary, the available evidence is currently insufficient to determine the role of this variant in disease. Therefore, it has been classified as a Variant of Uncertain Significance.

Ambry Genetics
Classification: Uncertain significance. Last evaluated: 2022-01-04. Review status: criteria provided, single submitter. Criteria: Ambry Variant Classification Scheme 2023. Collection method: clinical testing. Allele origin: germline.